The following is an entry in ClinVar:

NM_198317.3(KLHL17):c.1167C>T (p.Asn389=)

Gene: KLHL17 (kelch like family member 17; plus strand). Cytogenetic location: 1p36.33.
Variant type: single nucleotide variant.
Coding change: c.1167C>T on transcript NM_198317.3 (MANE Select); coding-DNA position 1167, C replaced by T.
Protein change: p.Asn389=; no amino-acid change (asparagine 389 retained).
Molecular consequence: synonymous variant.
Genome position (GRCh38, 1-based): chr1:963,233, C>T. VCF-style: chr1-963233-C-T. GRCh37 (hg19) VCF-style: chr1-898613-C-T.
Identifiers: ClinVar variation 775485 (VCV000775485.29), dbSNP rs61746776, ClinGen allele CA505605.

ClinVar aggregate classification (germline): Benign. Review status: criteria provided, multiple submitters, no conflicts (2 of 4 stars). 3 submissions from 3 submitters: Benign (3). Last evaluated 2023-09-01.

Allele frequency attached by ClinVar (database versions not stated): gnomAD exomes 0.00035 and 0.00094; ExAC 0.00111; ESP Exome Variant Server 0.00370; gnomAD 0.00400 and 0.00421; TOPMed 0.00435; 1000 Genomes Project 0.00599; 1000 Genomes Project 30x 0.00656.
gnomAD v4.1: 1,121 of 1,607,036 alleles (0.07%); highest among the groups gnomAD compares: African/African-American, 1.4%; 6 homozygotes.

Submissions (3):

CeGaT Center for Human Genetics Tuebingen
Classification: Benign. Last evaluated: 2023-09-01. Review status: criteria provided, single submitter. Criteria: CeGaT Center For Human Genetics Tuebingen Variant Classification Criteria Version 2. Collection method: clinical testing. Allele origin: germline. Affected: yes. Observed: 1 variant allele.
Comment: KLHL17: BP4, BS1, BS2

Labcorp Genetics (formerly Invitae), Labcorp
Classification: Benign. Last evaluated: 2018-07-06. Review status: criteria provided, single submitter. Criteria: Invitae Variant Classification Sherloc (09022015). Collection method: clinical testing. Allele origin: germline.

Breakthrough Genomics
Classification: Benign. Review status: criteria provided, single submitter. Criteria: ACMG Guidelines, 2015. Collection method: not provided. Allele origin: germline. Inheritance: Unknown mechanism. Affected: yes.